The following is an entry in ClinVar:

ClinVar aggregate classification (germline): Uncertain significance (1 of 4 stars; one submission).

Submission:

Labcorp Genetics (formerly Invitae), Labcorp
Classification: Uncertain significance. Last evaluated: 2023-08-30. Review status: criteria provided, single submitter. Criteria: Invitae Variant Classification Sherloc (09022015). Collection method: clinical testing. Allele origin: germline.
Comment: This sequence change replaces alanine, which is neutral and non-polar, with glycine, which is neutral and non-polar, at codon 192 of the PDE6C protein (p.Ala192Gly). This variant is not present in population databases (gnomAD no frequency). This variant has not been reported in the literature in individuals affected with PDE6C-related conditions. ClinVar contains an entry for this variant (Variation ID: 1408615). Advanced modeling of protein sequence and biophysical properties (such as structural, functional, and spatial information, amino acid conservation, physicochemical variation, residue mobility, and thermodynamic stability) performed at Invitae indicates that this missense variant is not expected to disrupt PDE6C protein function. In summary, the available evidence is currently insufficient to determine the role of this variant in disease. Therefore, it has been classified as a Variant of Uncertain Significance.

NM_006204.4(PDE6C):c.575C>G (p.Ala192Gly)

Gene: PDE6C (phosphodiesterase 6C; plus strand). Cytogenetic location: 10q23.33.
Variant type: single nucleotide variant.
Coding change: c.575C>G on transcript NM_006204.4 (MANE Select); coding-DNA position 575, C replaced by G.
Protein change: p.Ala192Gly; replaces alanine 192 with glycine.
Molecular consequence: missense variant.
Genome position (GRCh38, 1-based): chr10:93,620,726, C>G. VCF-style: chr10-93620726-C-G. GRCh37 (hg19) VCF-style: chr10-95380483-C-G.
Other names: short protein forms A192G.
Identifiers: ClinVar variation 1408615 (VCV001408615.6), dbSNP rs2134594035, ClinGen allele CA377626474.
Genomic context (GRCh38, chr10:93,620,726, plus strand): 5'-CTGGGTATGTCACTAAGAACCTGCTGGCAACCCCGATCGTGGTGGGCAAGGAGGTTCTTG[C>G]TGTGATCATGGCAGTTAACAAAGTAAATGCATCTGAATTTTCCAAACAGGATGAAGAGGT-3'
Protein context (NP_006195.3, residues 182-202): TPIVVGKEVL[Ala192Gly]VIMAVNKVNA